The following is an entry in ClinVar:

ClinVar aggregate classification (germline): Pathogenic (1 of 4 stars; one submission).

Conditions:
Arrhythmogenic right ventricular dysplasia 8 (ARVD8). Also called: Arrhythmogenic Right Ventricular Dysplasia/Cardiomyopathy 8; ARRHYTHMOGENIC RIGHT VENTRICULAR DYSPLASIA, FAMILIAL, 8; ARRHYTHMOGENIC RIGHT VENTRICULAR CARDIOMYOPATHY 8. Identifiers: MedGen C1843896, MONDO:0011831, OMIM 607450.
Arrhythmogenic cardiomyopathy with wooly hair and keratoderma. Also called: PALMOPLANTAR KERATODERMA WITH LEFT VENTRICULAR CARDIOMYOPATHY AND WOOLLY HAIR; Carvajal syndrome; Arrhythmogenic cardiomyopathy with woolly hair and keratoderma; Dilated cardiomyopathy with woolly hair and keratoderma. Identifiers: Orphanet 65282, MedGen C1854063, MONDO:0011581, OMIM 605676.

Submission:

Labcorp Genetics (formerly Invitae), Labcorp
Classification: Pathogenic for Arrhythmogenic cardiomyopathy with wooly hair and keratoderma; Arrhythmogenic right ventricular dysplasia 8. Last evaluated: 2020-06-02. Review status: criteria provided, single submitter. Criteria: Invitae Variant Classification Sherloc (09022015). Collection method: clinical testing. Allele origin: germline.
Comment: For these reasons, this variant has been classified as Pathogenic. Loss-of-function variants in DSP are known to be pathogenic (PMID: 20716751, 24503780, 25227139). This variant has not been reported in the literature in individuals with DSP-related conditions. This variant is not present in population databases (ExAC no frequency). This sequence change creates a premature translational stop signal (p.Gln396Argfs*44) in the DSP gene. It is expected to result in an absent or disrupted protein product.

Literature cited by the submitters: PubMed 20716751; PubMed 24503780; PubMed 25227139.

NM_004415.4(DSP):c.1186del (p.Gln396fs)

Gene: DSP (desmoplakin; plus strand). Cytogenetic location: 6p24.3.
Variant type: Deletion.
Coding change: c.1186del on transcript NM_004415.4 (MANE Select); coding-DNA position 1186, one base deleted (C; older notation c.1186delC).
Protein change: p.Gln396fs; shifts the reading frame from glutamine 396.
Molecular consequence: frameshift variant.
Genome position (GRCh38, 1-based): chr6:7,567,826, C deleted; the last of 2 consecutive C bases (chr6:7,567,825-7,567,826); deleting either gives the same sequence. VCF-style (leftmost placement, unchanged base first): chr6-7567824-TC-T. GRCh37 (hg19) VCF-style: chr6-7568057-TC-T.
Other names: c.1186del, p.Gln396fs (NM_001008844.3, NM_001319034.2); short protein forms Q396fs.
Identifiers: ClinVar variation 1072769 (VCV001072769.7), dbSNP rs2113673178, ClinGen allele CA2499218549.